The following is an entry in ClinVar:

ClinVar aggregate classification (germline): Likely pathogenic (0 of 4 stars; one submission).

Conditions:
TNRC6B-related disorder. Also called: TNRC6B-related condition.

Submission:

PreventionGenetics, part of Exact Sciences
Classification: Likely pathogenic for TNRC6B-related condition. Last evaluated: 2024-02-08. Review status: no assertion criteria provided. Collection method: clinical testing. Allele origin: germline.
Comment: The TNRC6B c.1592dupC variant is predicted to result in a frameshift and premature protein termination (p.Asn532Lysfs*3). To our knowledge, this variant has not been reported in the literature or in a large population database, indicating this variant is rare. Frameshift variants in TNRC6B are expected to be pathogenic. This variant is interpreted as likely pathogenic.

NM_001162501.2(TNRC6B):c.1592dup (p.Asn532fs)

Gene: TNRC6B (trinucleotide repeat containing adaptor 6B; plus strand). Cytogenetic location: 22q13.1.
Variant type: Duplication.
Coding change: c.1592dup on transcript NM_001162501.2 (MANE Select); coding-DNA position 1592, one base duplicated (C; older notation c.1592dupC).
Protein change: p.Asn532fs; shifts the reading frame from asparagine 532.
Molecular consequence: frameshift variant. On other transcripts: intron variant (1).
Genome position (GRCh38, 1-based): chr22:40,265,822, C duplicated; the last of 2 consecutive C bases (chr22:40,265,821-40,265,822); duplicating either gives the same sequence. VCF-style (leftmost placement, unchanged base first): chr22-40265820-A-AC. GRCh37 (hg19) VCF-style: chr22-40661824-A-AC.
Other names: c.1592dup, p.Asn532fs (NM_015088.3); c.565+3649dup (NM_001024843.2); short protein forms N532fs.
Identifiers: ClinVar variation 3047939 (VCV003047939.2), dbSNP rs2517986713, ClinGen allele CA2740094835.